The following is an entry in ClinVar:

ClinVar aggregate classification (germline): Benign. Review status: criteria provided, multiple submitters, no conflicts (2 of 4 stars). 5 submissions from 5 submitters: Benign (5). Last evaluated 2026-02-04.

Conditions:
Dubin-Johnson syndrome (DJS). Also called: HYPERBILIRUBINEMIA, DUBIN-JOHNSON TYPE; Jaundice, Chronic Idiopathic; Hyperbilirubinemia type 2. Identifiers: Orphanet 234, MedGen C0022350, MONDO:0009380, OMIM 237500.

Allele frequency attached by ClinVar (database versions not stated): 1000 Genomes Project 30x 0.03716; 1000 Genomes Project 0.03814; ExAC 0.04341; gnomAD exomes 0.04544 and 0.05281; gnomAD 0.05472 and 0.05618; TOPMed 0.05946; ESP Exome Variant Server 0.06151.
gnomAD v4.1: 85,977 of 1,614,056 alleles (5.3%); highest among the groups gnomAD compares: Middle Eastern, 13%; 2,622 homozygotes.

Submissions (5):

Labcorp Genetics (formerly Invitae), Labcorp
Classification: Benign. Last evaluated: 2026-02-04. Review status: criteria provided, single submitter. Criteria: Invitae Variant Classification Sherloc (09022015). Collection method: clinical testing. Allele origin: germline.

Mayo Clinic Laboratories, Mayo Clinic
Classification: Benign. Last evaluated: 2022-04-29. Review status: criteria provided, single submitter. Criteria: ACMG Guidelines, 2015. Collection method: clinical testing. Allele origin: germline. Observed: 50 variant alleles.

GeneDx
Classification: Benign. Last evaluated: 2018-11-10. Review status: criteria provided, single submitter. Criteria: GeneDx Variant Classification Process June 2021. Collection method: clinical testing. Allele origin: germline. Affected: yes.

Illumina Laboratory Services, Illumina
Classification: Benign for Dubin-Johnson syndrome. Last evaluated: 2018-01-13. Review status: criteria provided, single submitter. Criteria: ICSL Variant Classification Criteria 13 December 2019. Collection method: clinical testing. Allele origin: germline.
Comment: This variant was observed in the ICSL laboratory as part of a predisposition screen in an ostensibly healthy population. It had not been previously curated by ICSL or reported in the Human Gene Mutation Database (HGMD: prior to June 1st, 2018), and was therefore a candidate for classification through an automated scoring system. Utilizing variant allele frequency, disease prevalence and penetrance estimates, and inheritance mode, an automated score was calculated to assess if this variant is too frequent to cause the disease. Based on the score and internal cut-off values, a variant classified as benign is not then subjected to further curation. The score for this variant resulted in a classification of benign for this disease.

Breakthrough Genomics
Classification: Benign. Review status: criteria provided, single submitter. Criteria: ACMG Guidelines, 2015. Collection method: not provided. Allele origin: germline. Inheritance: Autosomal recessive inheritance. Affected: yes.

NM_000392.5(ABCC2):c.4290G>T (p.Val1430=)

Gene: ABCC2 (ATP binding cassette subfamily C member 2; plus strand). Cytogenetic location: 10q24.2.
Variant type: single nucleotide variant.
Coding change: c.4290G>T on transcript NM_000392.5 (MANE Select); coding-DNA position 4290, G replaced by T.
Protein change: p.Val1430=; no amino-acid change (valine 1430 retained).
Molecular consequence: synonymous variant.
Genome position (GRCh38, 1-based): chr10:99,847,104, G>T. VCF-style: chr10-99847104-G-T. GRCh37 (hg19) VCF-style: chr10-101606861-G-T.
Other names: p.Val1430=; c.4290G>T, p.Val1430= (LRG_1208t1).
Identifiers: ClinVar variation 298475 (VCV000298475.12), dbSNP rs1137968, ClinGen allele CA5644092.